The following is an entry in ClinVar:

NM_000092.5(COL4A4):c.3914C>T (p.Pro1305Leu)

Gene: COL4A4 (collagen type IV alpha 4 chain; minus strand). Cytogenetic location: 2q36.3.
Variant type: single nucleotide variant.
Coding change: c.3914C>T on transcript NM_000092.5 (MANE Select); coding-DNA position 3914, C replaced by T.
Protein change: p.Pro1305Leu; replaces proline 1305 with leucine.
Molecular consequence: missense variant.
Genome position (GRCh38, 1-based): chr2:227,030,502, G>A on the plus strand (C>T on the coding strand, the complement: COL4A4 is on the minus strand). VCF-style: chr2-227030502-G-A. GRCh37 (hg19) VCF-style: chr2-227895218-G-A.
Other names: short protein forms P1305L.
Identifiers: ClinVar variation 1103038 (VCV001103038.15), dbSNP rs746621296, ClinGen allele CA2144386.

ClinVar aggregate classification (germline): Conflicting classifications of pathogenicity. Review status: criteria provided, conflicting classifications (1 of 4 stars). 4 submissions from 4 submitters: Uncertain significance (3); Likely benign (1). Last evaluated 2026-01-19.

Conditions:
Inborn genetic diseases. Identifiers: MedGen C0950123, MeSH D030342.

Allele frequency attached by ClinVar (database versions not stated): gnomAD exomes 0.00005 and 0.00014; gnomAD 0.00008 and 0.00009; TOPMed 0.00010; ExAC 0.00011.
gnomAD v4.1: 92 of 1,613,884 alleles (0.0057%); highest among the groups gnomAD compares: Admixed American, 0.04%; no homozygotes.

Submissions (4):

Labcorp Genetics (formerly Invitae), Labcorp
Classification: Likely benign. Last evaluated: 2026-01-19. Review status: criteria provided, single submitter. Criteria: Invitae Variant Classification Sherloc (09022015). Collection method: clinical testing. Allele origin: germline.

Ambry Genetics
Classification: Uncertain significance for Inborn genetic diseases. Last evaluated: 2024-11-24. Review status: criteria provided, single submitter. Criteria: Ambry Variant Classification Scheme 2023. Collection method: clinical testing. Allele origin: germline.

Blueprint Genetics
Classification: Uncertain significance. Last evaluated: 2024-05-16. Review status: criteria provided, single submitter. Criteria: ACMG Guidelines, 2015. Collection method: clinical testing. Allele origin: germline.

GeneDx
Classification: Uncertain significance. Last evaluated: 2020-11-16. Review status: criteria provided, single submitter. Criteria: GeneDx Variant Classification Process June 2021. Collection method: clinical testing. Allele origin: germline. Affected: yes.
Comment: In silico analysis supports that this missense variant does not alter protein structure/function; Has not been previously published as pathogenic or benign to our knowledge